The following is an entry in ClinVar:

NM_013447.4(ADGRE2):c.1025G>A (p.Arg342Lys)

Gene: ADGRE2 (adhesion G protein-coupled receptor E2; minus strand). Cytogenetic location: 19p13.12.
Variant type: single nucleotide variant.
Coding change: c.1025G>A on transcript NM_013447.4 (MANE Select); coding-DNA position 1025, G replaced by A.
Protein change: p.Arg342Lys; replaces arginine 342 with lysine.
Molecular consequence: missense variant.
Genome position (GRCh38, 1-based): chr19:14,764,492, C>T on the plus strand (G>A on the coding strand, the complement: ADGRE2 is on the minus strand). VCF-style: chr19-14764492-C-T. GRCh37 (hg19) VCF-style: chr19-14875304-C-T.
Other names: c.1025G>A, p.Arg342Lys (NM_001271052.1); c.878G>A, p.Arg293Lys (NM_152916.2); c.746G>A, p.Arg249Lys (NM_152917.2); short protein forms R293K, R249K, R342K.
Identifiers: ClinVar variation 2812057 (VCV002812057.3), dbSNP rs2513217955, ClinGen allele CA404459075.

ClinVar aggregate classification (germline): Uncertain significance (1 of 4 stars; one submission).

Submission:

Labcorp Genetics (formerly Invitae), Labcorp
Classification: Uncertain significance. Last evaluated: 2023-08-02. Review status: criteria provided, single submitter. Criteria: Invitae Variant Classification Sherloc (09022015). Collection method: clinical testing. Allele origin: germline.
Comment: In summary, the available evidence is currently insufficient to determine the role of this variant in disease. Therefore, it has been classified as a Variant of Uncertain Significance. Algorithms developed to predict the effect of missense changes on protein structure and function output the following: SIFT: "Not Available"; PolyPhen-2: "Benign"; Align-GVGD: "Not Available". The lysine amino acid residue is found in multiple mammalian species, which suggests that this missense change does not adversely affect protein function. This variant has not been reported in the literature in individuals affected with ADGRE2-related conditions. This variant is not present in population databases (gnomAD no frequency). This sequence change replaces arginine, which is basic and polar, with lysine, which is basic and polar, at codon 342 of the ADGRE2 protein (p.Arg342Lys).